The following is an entry in ClinVar:

ClinVar aggregate classification (germline): Uncertain significance (1 of 4 stars; one submission).

Conditions:
Cardiovascular phenotype. Identifiers: MedGen CN230736.

Submission:

Ambry Genetics
Classification: Uncertain significance for Cardiovascular phenotype. Last evaluated: 2023-05-22. Review status: criteria provided, single submitter. Criteria: Ambry Variant Classification Scheme 2023. Collection method: clinical testing. Allele origin: germline.
Comment: The p.P1756A variant (also known as c.5266C>G), located in coding exon 38 of the ANK2 gene, results from a C to G substitution at nucleotide position 5266. The proline at codon 1756 is replaced by alanine, an amino acid with highly similar properties. This amino acid position is conserved. In addition, the in silico prediction for this alteration is inconclusive. Since supporting evidence is limited at this time, the clinical significance of this alteration remains unclear.

NM_001148.6(ANK2):c.5266C>G (p.Pro1756Ala)

Genes: ANK2 (ankyrin 2; plus strand), LOC126807136 (MED14-independent group 3 enhancer GRCh37_chr4:114274931-114276130; plus strand). Cytogenetic location: 4q26.
Variant type: single nucleotide variant.
Coding change: c.5266C>G on transcript NM_001148.6 (MANE Select); coding-DNA position 5266, C replaced by G.
Protein change: p.Pro1756Ala; replaces proline 1756 with alanine.
Molecular consequence: missense variant. On other transcripts: intron variant (68).
Genome position (GRCh38, 1-based): chr4:113,353,884, C>G. VCF-style: chr4-113353884-C-G. GRCh37 (hg19) VCF-style: chr4-114275040-C-G.
Other names: c.5032C>G, p.Pro1678Ala (NM_001386142.1); c.1666C>G, p.Pro556Ala (NM_001386166.1); c.5407C>G, p.Pro1803Ala (NM_001386174.1); c.5383C>G, p.Pro1795Ala (NM_001386175.1); c.4411+3635C>G (NM_001386186.2, NM_001386148.2); c.4213+3635C>G (NM_001354269.3); c.4291+3635C>G (NM_001386187.2); c.4252+3635C>G (NM_001386147.1); and 35 more; short protein forms P556A, P1756A, P1678A, P1795A, P1803A.
Identifiers: ClinVar variation 2565320 (VCV002565320.2), dbSNP rs2505325307, ClinGen allele CA357918507.